The following is an entry in ClinVar:

ClinVar aggregate classification (germline): Likely benign. Review status: criteria provided, single submitter (1 of 4 stars). 2 submissions from 2 submitters: Likely benign (1). 1 of the submissions does not count toward it. Last evaluated 2026-01-24.

Conditions:
KANK2-related disorder. Also called: KANK2-related condition.

Allele frequency attached by ClinVar (database versions not stated): ESP Exome Variant Server 0.00008; gnomAD 0.00008; TOPMed 0.00017; ExAC 0.00007.
gnomAD v4.1: 113 of 1,612,690 alleles (0.007%); highest among the groups gnomAD compares: Admixed American, 0.048%; no homozygotes.

Submissions (2):

Labcorp Genetics (formerly Invitae), Labcorp
Classification: Likely benign. Last evaluated: 2026-01-24. Review status: criteria provided, single submitter. Criteria: Invitae Variant Classification Sherloc (09022015). Collection method: clinical testing. Allele origin: germline.

PreventionGenetics, part of Exact Sciences
Classification: Likely benign for KANK2-related condition. Last evaluated: 2022-12-16. Review status: no assertion criteria provided. Collection method: clinical testing. Allele origin: germline. Not counted in ClinVar's aggregate classification.
Comment: This variant is classified as likely benign based on ACMG/AMP sequence variant interpretation guidelines (Richards et al. 2015 PMID: 25741868, with internal and published modifications).

NM_001136191.3(KANK2):c.678C>T (p.Leu226=)

Gene: KANK2 (KN motif and ankyrin repeat domains 2; minus strand). Cytogenetic location: 19p13.2.
Variant type: single nucleotide variant.
Coding change: c.678C>T on transcript NM_001136191.3 (MANE Select); coding-DNA position 678, C replaced by T.
Protein change: p.Leu226=; no amino-acid change (leucine 226 retained).
Molecular consequence: synonymous variant.
Genome position (GRCh38, 1-based): chr19:11,193,402, G>A on the plus strand (C>T on the coding strand, the complement: KANK2 is on the minus strand). VCF-style: chr19-11193402-G-A. GRCh37 (hg19) VCF-style: chr19-11304078-G-A.
Other names: c.678C>T, p.Leu226= (NM_001329451.2, NM_001379548.1, NM_001379549.1 and 15 more transcripts).
Identifiers: ClinVar variation 3052107 (VCV003052107.4), dbSNP rs374890373, ClinGen allele CA9205997.